The following is an entry in ClinVar:

NM_001385641.1(SAMD11):c.1757C>T (p.Pro586Leu)

Gene: SAMD11 (sterile alpha motif domain containing 11; plus strand). Cytogenetic location: 1p36.33.
Variant type: single nucleotide variant.
Coding change: c.1757C>T on transcript NM_001385641.1 (MANE Select); coding-DNA position 1757, C replaced by T.
Protein change: p.Pro586Leu; replaces proline 586 with leucine.
Molecular consequence: missense variant.
Genome position (GRCh38, 1-based): chr1:942,762, C>T. VCF-style: chr1-942762-C-T. GRCh37 (hg19) VCF-style: chr1-878142-C-T.
Other names: c.1268C>T (NM_152486.2); c.1760C>T, p.Pro587Leu (NM_001385640.1); c.1268C>T, p.Pro423Leu (NM_152486.4); short protein forms P423L, P586L, P587L.
Identifiers: ClinVar variation 1007375 (VCV001007375.10), dbSNP rs1362882035, ClinGen allele CA337810449.
Genomic context (GRCh38, chr1:942,762, plus strand): 5'-GCGCGGCGCCACTGCTGGCCCTGCCCCCCCAGGGGCCCCCGGGCTCCGGACCCCCCACCC[C>T]GTCCCGGGACTCTGCCCGGCGAGCCCCCCGGAAGGGGGGTCCCGGCCCTGCCTCAGCGCG-3'
Protein context (NP_001372570.1, residues 576-596): QGPPGSGPPT[Pro586Leu]SRDSARRAPR

ClinVar aggregate classification (germline): Uncertain significance. Review status: criteria provided, multiple submitters, no conflicts (2 of 4 stars). 2 submissions from 2 submitters: Uncertain significance (2). Last evaluated 2025-07-03.

Allele frequency attached by ClinVar (database versions not stated): TOPMed 0.00003; gnomAD 0.00005 and 0.00006.
gnomAD v4.1: 18 of 1,521,690 alleles (0.0012%); highest among the groups gnomAD compares: East Asian, 0.031%; no homozygotes.

Submissions (2):

Ambry Genetics
Classification: Uncertain significance. Last evaluated: 2025-07-03. Review status: criteria provided, single submitter. Criteria: Ambry Variant Classification Scheme 2023. Collection method: clinical testing. Allele origin: germline.

Labcorp Genetics (formerly Invitae), Labcorp
Classification: Uncertain significance. Last evaluated: 2022-07-19. Review status: criteria provided, single submitter. Criteria: Invitae Variant Classification Sherloc (09022015). Collection method: clinical testing. Allele origin: germline.
Comment: In summary, the available evidence is currently insufficient to determine the role of this variant in disease. Therefore, it has been classified as a Variant of Uncertain Significance. Algorithms developed to predict the effect of missense changes on protein structure and function output the following: SIFT: "Deleterious"; PolyPhen-2: "Benign"; Align-GVGD: "Class C25". The leucine amino acid residue is found in multiple mammalian species, which suggests that this missense change does not adversely affect protein function. ClinVar contains an entry for this variant (Variation ID: 1007375). This variant has not been reported in the literature in individuals affected with SAMD11-related conditions. This variant is present in population databases (no rsID available, gnomAD 0.09%). This sequence change replaces proline, which is neutral and non-polar, with leucine, which is neutral and non-polar, at codon 423 of the SAMD11 protein (p.Pro423Leu).